The following is an entry in ClinVar:

NM_032444.4(SLX4):c.3419A>C (p.Lys1140Thr)

Gene: SLX4 (SLX4 structure-specific endonuclease subunit; minus strand). Cytogenetic location: 16p13.3.
Variant type: single nucleotide variant.
Coding change: c.3419A>C on transcript NM_032444.4 (MANE Select); coding-DNA position 3419, A replaced by C.
Protein change: p.Lys1140Thr; replaces lysine 1140 with threonine.
Molecular consequence: missense variant.
Genome position (GRCh38, 1-based): chr16:3,590,219, T>G on the plus strand (A>C on the coding strand, the complement: SLX4 is on the minus strand). VCF-style: chr16-3590219-T-G. GRCh37 (hg19) VCF-style: chr16-3640220-T-G.
Other names: short protein forms K1140T.
Identifiers: ClinVar variation 626022 (VCV000626022.2), dbSNP rs1374316194, ClinGen allele CA394520175.
Genomic context (GRCh38, chr16:3,590,219, plus strand): 5'-TCCTCATCCGAGTCCAGTAAGAGGATGACCTCATCTTCTTCGTTCAGTTTGGATGAAGAT[T>G]TCTGAGATCTGGAGCTCGAATGGTCAGGATTTGACTGGGTTAGGTCAATAGACGGAGATT-3'
Protein context (NP_115820.2, residues 1130-1150): NPDHSSSRSQ[Lys1140Thr]SSSKLNEEDE

ClinVar aggregate classification (germline): Uncertain significance (1 of 4 stars; one submission).

Conditions:
Fanconi anemia complementation group P. Also called: SLX4-Related Fanconi Anemia. Identifiers: Orphanet 84, MedGen C3469542, MONDO:0013499, OMIM 613951.

Allele frequency attached by ClinVar (database versions not stated): gnomAD exomes below 0.00001; TOPMed below 0.00001; gnomAD 0.00001.
gnomAD v4.1: 4 of 1,614,054 alleles (0.00025%); highest among the groups gnomAD compares: Non-Finnish European, 0.00034%; no homozygotes.

Submission:

Center for Genomics, Ann and Robert H. Lurie Children's Hospital of Chicago
Classification: Uncertain significance for Fanconi anemia complementation group P. Last evaluated: 2021-03-30. Review status: criteria provided, single submitter. Criteria: ACMG Guidelines, 2015. Collection method: clinical testing. Allele origin: germline.
Comment: SLX4 NM_032444.2 exon 12 p.Lys1140Thr (c.3419A>C): This variant has not been reported in the literature and is not present in large control databases. This variant amino acid Threonine (Thr) is present in four species (Tibetan antelope, cow, sheep, goat) and is not well conserved among evolutionarily distant species; this suggests that this variant may not impact the protein. Additional computational prediction tools do not suggest an impact. In summary, data on this variant is insufficient for disease classification. Therefore, the clinical significance of this variant is uncertain.